The following is an entry in ClinVar:

ClinVar aggregate classification (germline): Uncertain significance. Review status: criteria provided, multiple submitters, no conflicts (2 of 4 stars). 2 submissions from 2 submitters: Uncertain significance (2). Last evaluated 2025-12-09.

Conditions:
Hereditary cancer-predisposing syndrome. Also called: Neoplastic Syndromes, Hereditary; Hereditary Cancer Syndrome; Hereditary neoplastic syndrome; Tumor predisposition. Identifiers: Orphanet 140162, MedGen C0027672, MeSH D009386, MONDO:0015356.

Submissions (2):

Color Diagnostics, LLC DBA Color Health
Classification: Uncertain significance for Hereditary cancer-predisposing syndrome. Last evaluated: 2025-12-09. Review status: criteria provided, single submitter. Criteria: ACMG Guidelines, 2015. Collection method: clinical testing. Allele origin: germline.
Comment: This variant causes the deletion of a lysine amino acid at codon 95 in the BARD1 protein. To our knowledge, functional studies have not been reported for this variant. This variant has not been reported in individuals affected with BARD1-related disorders in the literature. This variant has not been identified in the general population by the Genome Aggregation Database (gnomAD). The available evidence is insufficient to determine the role of this variant in disease conclusively. Therefore, this variant is classified as a Variant of Uncertain Significance.

Ambry Genetics
Classification: Uncertain significance for Hereditary cancer-predisposing syndrome. Last evaluated: 2016-10-13. Review status: criteria provided, single submitter. Criteria: Ambry Variant Classification Scheme 2023. Collection method: clinical testing. Allele origin: germline.
Comment: The c.287_289delAGA variant (also known as p.K96del) is located in coding exon 3 of the BARD1 gene. This variant results from an in-frame AGA deletion at nucleotide positions 287 to 289. This results in the in-frame deletion of a lysine at codon 96. This variant was not reported in population based cohorts in the following databases: Database of Single Nucleotide Polymorphisms (dbSNP), NHLBI Exome Sequencing Project (ESP), and 1000 Genomes Project. In the ESP, this variant was not observed in 6503 samples (13006 alleles) with coverage at this position. To date, this alteration has been detected with an allele frequency of approximately 0.001% (greater than 175000 alleles tested) in our clinical cohort. This amino acid position is well conserved in available vertebrate species. Since supporting evidence is limited at this time, the clinical significance of this alteration remains unclear.

NM_000465.4(BARD1):c.287_289del (p.Lys96del)

Gene: BARD1 (BRCA1 associated RING domain 1; minus strand). Cytogenetic location: 2q35.
Variant type: Deletion.
Coding change: c.287_289del on transcript NM_000465.4 (MANE Select); coding-DNA positions 287 to 289, 3 bases deleted (AGA; older notation c.287_289delAGA).
Protein change: p.Lys96del; deletes lysine 96.
Molecular consequence: inframe deletion. On other transcripts: non-coding transcript variant (1), intron variant (2).
Genome position (GRCh38, 1-based): chr2:214,792,372-214,792,374, TCT deleted on the plus strand (AGA on the coding strand, the reverse complement: BARD1 is on the minus strand); deleting any 3 consecutive bases within chr2:214,792,372-214,792,376 gives the same sequence; the c. name uses the placement nearest the transcript's 3' end. VCF-style (leftmost placement, unchanged base first): chr2-214792371-ATCT-A. GRCh37 (hg19) VCF-style: chr2-215657095-ATCT-A.
Other names: c.230_232del, p.Lys77del (NM_001282543.2); c.287_289del, p.Lys96del (NM_001282549.2); c.158+17038_158+17040del (NM_001282548.2); c.215+4687_215+4689del (NM_001282545.2); short protein forms K96del, K77del.
Identifiers: ClinVar variation 479165 (VCV000479165.6), dbSNP rs1553624776, ClinGen allele CA658657214.